The following is an entry in ClinVar:

ClinVar aggregate classification (germline): Uncertain significance. Review status: criteria provided, multiple submitters, no conflicts (2 of 4 stars). 2 submissions from 2 submitters: Uncertain significance (2). Last evaluated 2024-07-16.

Conditions:
Hereditary cancer-predisposing syndrome. Also called: Neoplastic Syndromes, Hereditary; Tumor predisposition; Hereditary Cancer Syndrome; Hereditary neoplastic syndrome. Identifiers: Orphanet 140162, MedGen C0027672, MeSH D009386, MONDO:0015356.
Familial adenomatous polyposis 1 (FAP1). Also called: POLYPOSIS, ADENOMATOUS INTESTINAL; FAMILIAL ADENOMATOUS POLYPOSIS 1, ATTENUATED. Identifiers: MedGen C2713442, MONDO:0021056, OMIM 175100. Disease mechanism: loss of function.

gnomAD v4.1: 1 of 1,613,866 alleles (0.000062%); highest among the groups gnomAD compares: Non-Finnish European, 0.000085%; no homozygotes.

Submissions (2):

Ambry Genetics
Classification: Uncertain significance for Hereditary cancer-predisposing syndrome. Last evaluated: 2024-07-16. Review status: criteria provided, single submitter. Criteria: Ambry Variant Classification Scheme 2023. Collection method: clinical testing. Allele origin: germline.
Comment: The p.S2417F variant (also known as c.7250C>T), located in coding exon 15 of the APC gene, results from a C to T substitution at nucleotide position 7250. The serine at codon 2417 is replaced by phenylalanine, an amino acid with highly dissimilar properties. This amino acid position is highly conserved in available vertebrate species. In addition, in silico predictors for this gene do not accurately predict pathogenicity. Missense alterations in APC are not a common cause of disease (Spier I et al. Genet Med. 2024 Feb;26(2):100992). Based on the available evidence, the clinical significance of this variant remains unclear.

Labcorp Genetics (formerly Invitae), Labcorp
Classification: Uncertain significance for Familial adenomatous polyposis 1. Last evaluated: 2018-11-21. Review status: criteria provided, single submitter. Criteria: Invitae Variant Classification Sherloc (09022015). Collection method: clinical testing. Allele origin: germline.
Comment: In summary, the available evidence is currently insufficient to determine the role of this variant in disease. Therefore, it has been classified as a Variant of Uncertain Significance. Algorithms developed to predict the effect of missense changes on protein structure and function (SIFT, PolyPhen-2, Align-GVGD) all suggest that this variant is likely to be disruptive, but these predictions have not been confirmed by published functional studies and their clinical significance is uncertain. This variant has not been reported in the literature in individuals with APC-related disease. This variant is not present in population databases (ExAC no frequency). This sequence change replaces serine with phenylalanine at codon 2417 of the APC protein (p.Ser2417Phe). The serine residue is highly conserved and there is a large physicochemical difference between serine and phenylalanine.

NM_000038.6(APC):c.7250C>T (p.Ser2417Phe)

Gene: APC (APC regulator of Wnt signaling pathway; plus strand). Cytogenetic location: 5q22.2.
Variant type: single nucleotide variant.
Coding change: c.7250C>T on transcript NM_000038.6 (MANE Select); coding-DNA position 7250, C replaced by T.
Protein change: p.Ser2417Phe; replaces serine 2417 with phenylalanine.
Molecular consequence: missense variant.
Genome position (GRCh38, 1-based): chr5:112,842,844, C>T. VCF-style: chr5-112842844-C-T. GRCh37 (hg19) VCF-style: chr5-112178541-C-T.
Other names: c.7250C>T, p.Ser2417Phe (NM_001127510.3, NM_001354895.2); c.7196C>T, p.Ser2399Phe (NM_001127511.3); c.7304C>T, p.Ser2435Phe (NM_001354896.2); c.7280C>T, p.Ser2427Phe (NM_001354897.2); c.7175C>T, p.Ser2392Phe (NM_001354898.2); c.7166C>T, p.Ser2389Phe (NM_001354899.2); c.7127C>T, p.Ser2376Phe (NM_001354900.2); c.7073C>T, p.Ser2358Phe (NM_001354901.2); and 5 more; short protein forms S2291F, S2326F, S2376F, S2435F, S2257F, S2316F, S2358F, S2389F.
Identifiers: ClinVar variation 639250 (VCV000639250.11), dbSNP rs1201812680, ClinGen allele CA16037126.